The following is an entry in ClinVar:

NM_080680.3(COL11A2):c.3047C>A (p.Ser1016Tyr)

Gene: COL11A2 (collagen type XI alpha 2 chain; minus strand). Cytogenetic location: 6p21.32.
Variant type: single nucleotide variant.
Coding change: c.3047C>A on transcript NM_080680.3 (MANE Select); coding-DNA position 3047, C replaced by A.
Protein change: p.Ser1016Tyr; replaces serine 1016 with tyrosine.
Molecular consequence: missense variant.
Genome position (GRCh38, 1-based): chr6:33,171,816, G>T on the plus strand (C>A on the coding strand, the complement: COL11A2 is on the minus strand). VCF-style: chr6-33171816-G-T. GRCh37 (hg19) VCF-style: chr6-33139593-G-T.
Other names: c.2867C>A, p.Ser956Tyr (NM_001424108.1); c.2201C>A, p.Ser734Tyr (NM_001424109.1); c.2021C>A, p.Ser674Tyr (NM_001424110.1, NM_001424111.1); c.1001C>A, p.Ser334Tyr (NM_001424112.1); c.2726C>A, p.Ser909Tyr (NM_080679.3); c.2789C>A, p.Ser930Tyr (NM_080681.3); short protein forms S334Y, S674Y, S1016Y, S734Y, S909Y, S930Y, S956Y.
Identifiers: ClinVar variation 2785867 (VCV002785867.3), dbSNP rs1293587438, ClinGen allele CA363636588.

ClinVar aggregate classification (germline): Uncertain significance (1 of 4 stars; one submission).

gnomAD v4.1: 4 of 1,612,854 alleles (0.00025%); highest among the groups gnomAD compares: Non-Finnish European, 0.00034%; no homozygotes.

Submission:

Labcorp Genetics (formerly Invitae), Labcorp
Classification: Uncertain significance. Last evaluated: 2023-02-08. Review status: criteria provided, single submitter. Criteria: Invitae Variant Classification Sherloc (09022015). Collection method: clinical testing. Allele origin: germline.
Comment: This sequence change replaces serine, which is neutral and polar, with tyrosine, which is neutral and polar, at codon 1016 of the COL11A2 protein (p.Ser1016Tyr). This variant is present in population databases (no rsID available, gnomAD 0.002%). This variant has not been reported in the literature in individuals affected with COL11A2-related conditions. Advanced modeling of protein sequence and biophysical properties (such as structural, functional, and spatial information, amino acid conservation, physicochemical variation, residue mobility, and thermodynamic stability) performed at Invitae indicates that this missense variant is not expected to disrupt COL11A2 protein function. In summary, the available evidence is currently insufficient to determine the role of this variant in disease. Therefore, it has been classified as a Variant of Uncertain Significance.